The following is an entry in ClinVar:

NM_003902.5(FUBP1):c.243A>C (p.Gln81His)

Gene: FUBP1 (far upstream element binding protein 1; minus strand). Cytogenetic location: 1p31.1.
Variant type: single nucleotide variant.
Coding change: c.243A>C on transcript NM_003902.5 (MANE Select); coding-DNA position 243, A replaced by C.
Protein change: p.Gln81His; replaces glutamine 81 with histidine.
Molecular consequence: missense variant. On other transcripts: non-coding transcript variant (5).
Genome position (GRCh38, 1-based): chr1:77,968,172, T>G on the plus strand (A>C on the coding strand, the complement: FUBP1 is on the minus strand). VCF-style: chr1-77968172-T-G. GRCh37 (hg19) VCF-style: chr1-78433856-T-G.
Other names: c.306A>C, p.Gln102His (NM_001303433.2, NM_001376055.1); c.243A>C, p.Gln81His (NM_001376056.1, NM_001376057.1); short protein forms Q81H, Q102H.
Identifiers: ClinVar variation 134460 (VCV000134460.1), dbSNP rs138606412, ClinGen allele CA159879.

ClinVar aggregate classification (germline): not provided (0 of 4 stars; one submission).

Allele frequency attached by ClinVar (database versions not stated): gnomAD exomes 0.00047; ExAC 0.00067; 1000 Genomes Project 0.00160; 1000 Genomes Project 30x 0.00172; gnomAD 0.00175 and 0.00192; TOPMed 0.00204; ESP Exome Variant Server 0.00208.
gnomAD v4.1: 466 of 1,536,358 alleles (0.03%); highest among the groups gnomAD compares: African/African-American, 0.61%; 3 homozygotes.

Submission:

ITMI
No classification provided. Condition: AllHighlyPenetrant. Last evaluated: 2013-09-19. Review status: no classification provided. Collection method: reference population. Allele origin: germline.
Comment: Please see associated publication for description of ethnicities

Literature cited by the submitters: PubMed 24728327.